The following is an entry in ClinVar:

NM_007315.4(STAT1):c.1399G>A (p.Gly467Ser)

Gene: STAT1 (signal transducer and activator of transcription 1; minus strand). Cytogenetic location: 2q32.2.
Variant type: single nucleotide variant.
Coding change: c.1399G>A on transcript NM_007315.4 (MANE Select); coding-DNA position 1399, G replaced by A.
Protein change: p.Gly467Ser; replaces glycine 467 with serine.
Molecular consequence: missense variant.
Genome position (GRCh38, 1-based): chr2:190,983,689, C>T on the plus strand (G>A on the coding strand, the complement: STAT1 is on the minus strand). VCF-style: chr2-190983689-C-T. GRCh37 (hg19) VCF-style: chr2-191848415-C-T.
Other names: c.1339G>A, p.Gly447Ser (NM_001384880.1); c.1405G>A, p.Gly469Ser (NM_001384881.1, NM_001384884.1); c.1393G>A, p.Gly465Ser (NM_001384882.1); c.1300G>A, p.Gly434Ser (NM_001384883.1); c.1240G>A, p.Gly414Ser (NM_001384885.1); c.1399G>A, p.Gly467Ser (NM_001384886.1, NM_001384889.1, NM_139266.3); c.1306G>A, p.Gly436Ser (NM_001384887.1); c.1369G>A, p.Gly457Ser (NM_001384888.1); and 2 more; short protein forms G434S, G437S, G447S, G467S, G479S, G436S, G465S, G414S.
Identifiers: ClinVar variation 1518092 (VCV001518092.6), dbSNP rs762390015, ClinGen allele CA2029936.

ClinVar aggregate classification (germline): Uncertain significance (1 of 4 stars; one submission).

Conditions:
Immunodeficiency 31B. Also called: IMMUNODEFICIENCY 31B, MYCOBACTERIAL AND VIRAL INFECTIONS, AUTOSOMAL RECESSIVE; STAT1 DEFICIENCY, AUTOSOMAL RECESSIVE. Identifiers: Orphanet 391311, MedGen C3151088, MONDO:0013427, OMIM 613796.
Autoimmune enteropathy and endocrinopathy - susceptibility to chronic infections syndrome. Also called: Immunodeficiency 31C; Immunodeficiency 31C, autosomal dominant. Identifiers: Orphanet 391487, MedGen C3279990, MONDO:0013599, OMIM 614162.
Mendelian susceptibility to mycobacterial diseases due to partial STAT1 deficiency. Also called: IMMUNODEFICIENCY 31A, MYCOBACTERIOSIS, AUTOSOMAL DOMINANT; STAT1 DEFICIENCY, AUTOSOMAL DOMINANT; Immunodeficiency 31a. Identifiers: Orphanet 319595, MedGen C4013950, MONDO:0013956, OMIM 614892.

Allele frequency attached by ClinVar (database versions not stated): gnomAD exomes below 0.00001 and 0.00001; TOPMed below 0.00001; ExAC 0.00001; gnomAD 0.00001.
gnomAD v4.1: 12 of 1,614,028 alleles (0.00074%); highest among the groups gnomAD compares: South Asian, 0.0033%; no homozygotes.

Submission:

Labcorp Genetics (formerly Invitae), Labcorp
Classification: Uncertain significance for Mendelian susceptibility to mycobacterial diseases due to partial STAT1 deficiency; Immunodeficiency 31B; Autoimmune enteropathy and endocrinopathy - susceptibility to chronic infections syndrome. Last evaluated: 2022-11-28. Review status: criteria provided, single submitter. Criteria: Invitae Variant Classification Sherloc (09022015). Collection method: clinical testing. Allele origin: germline.
Comment: This sequence change replaces glycine, which is neutral and non-polar, with serine, which is neutral and polar, at codon 467 of the STAT1 protein (p.Gly467Ser). This variant is present in population databases (rs762390015, gnomAD 0.003%). This variant has not been reported in the literature in individuals affected with STAT1-related conditions. Algorithms developed to predict the effect of missense changes on protein structure and function are either unavailable or do not agree on the potential impact of this missense change (SIFT: "Tolerated"; PolyPhen-2: "Possibly Damaging"; Align-GVGD: "Class C0"). In summary, the available evidence is currently insufficient to determine the role of this variant in disease. Therefore, it has been classified as a Variant of Uncertain Significance. ClinVar contains an entry for this variant (Variation ID: 1518092).